The following is an entry in ClinVar:

NM_003737.4(DCHS1):c.8837G>T (p.Gly2946Val)

Gene: DCHS1 (dachsous cadherin-related 1; minus strand). Cytogenetic location: 11p15.4.
Variant type: single nucleotide variant.
Coding change: c.8837G>T on transcript NM_003737.4 (MANE Select); coding-DNA position 8837, G replaced by T.
Protein change: p.Gly2946Val; replaces glycine 2946 with valine.
Molecular consequence: missense variant.
Genome position (GRCh38, 1-based): chr11:6,622,839, C>A on the plus strand (G>T on the coding strand, the complement: DCHS1 is on the minus strand). VCF-style: chr11-6622839-C-A. GRCh37 (hg19) VCF-style: chr11-6644070-C-A.
Other names: short protein forms G2946V.
Identifiers: ClinVar variation 3683500 (VCV003683500.2).

ClinVar aggregate classification (germline): Uncertain significance (1 of 4 stars; one submission).

Submission:

Labcorp Genetics (formerly Invitae), Labcorp
Classification: Uncertain significance. Last evaluated: 2024-09-27. Review status: criteria provided, single submitter. Criteria: Invitae Variant Classification Sherloc (09022015). Collection method: clinical testing. Allele origin: germline.
Comment: This sequence change replaces glycine, which is neutral and non-polar, with valine, which is neutral and non-polar, at codon 2946 of the DCHS1 protein (p.Gly2946Val). This variant is not present in population databases (gnomAD no frequency). This variant has not been reported in the literature in individuals affected with DCHS1-related conditions. Invitae Evidence Modeling of protein sequence and biophysical properties (such as structural, functional, and spatial information, amino acid conservation, physicochemical variation, residue mobility, and thermodynamic stability) indicates that this missense variant is not expected to disrupt DCHS1 protein function with a negative predictive value of 80%. In summary, the available evidence is currently insufficient to determine the role of this variant in disease. Therefore, it has been classified as a Variant of Uncertain Significance.